The following is an entry in ClinVar:

ClinVar aggregate classification (germline): Pathogenic/Likely pathogenic. Review status: criteria provided, multiple submitters, no conflicts (2 of 4 stars). 21 submissions from 21 submitters: Pathogenic (15); Likely pathogenic (1). 5 of the submissions do not count toward it. Last evaluated 2025-07-11.

Conditions:
BRCA2-related disorder. Also called: BRCA2-related condition; BRCA2-related disorders. Identifiers: MedGen CN239275.
Hereditary cancer-predisposing syndrome. Also called: Hereditary Cancer Syndrome; Tumor predisposition; Neoplastic Syndromes, Hereditary; Hereditary neoplastic syndrome. Identifiers: Orphanet 140162, MedGen C0027672, MeSH D009386, MONDO:0015356.
Breast-ovarian cancer, familial, susceptibility to, 2 (BROVCA2). Also called: BRCA2 Hereditary Breast and Ovarian Cancer. Identifiers: Orphanet 145, MedGen C2675520, MONDO:0012933, OMIM 612555. Disease mechanism: loss of function.
Hereditary breast ovarian cancer syndrome. Also called: Breast and ovarian cancer; BRCA1- and BRCA2-Associated Hereditary Breast and Ovarian Cancer; Hereditary breast and ovarian cancer; Hereditary breast and ovarian cancer syndrome (HBOC); Hereditary breast and ovarian cancer syndrome; Hereditary breast and/or ovarian cancer syndrome. Identifiers: Orphanet 145, MedGen C0677776, MeSH D061325, MONDO:0003582. Disease mechanism: loss of function.
Fanconi anemia complementation group D1. Also called: BRCA2-Related Fanconi Anemia. Identifiers: Orphanet 319462, MedGen C1838457, MONDO:0011584, OMIM 605724.
Breast-ovarian cancer, familial, susceptibility to, 1 (BROVCA1). Also called: BRCA1 Hereditary Breast and Ovarian Cancer; OVARIAN CANCER, SUSCEPTIBILITY TO. Identifiers: Orphanet 145, MedGen C2676676, MONDO:0011450, OMIM 604370. Disease mechanism: loss of function.
Familial cancer of breast. Also called: BREAST CANCER, FAMILIAL; hereditary breast carcinoma; Hereditary breast cancer. Identifiers: Orphanet 227535, MedGen C0346153, MONDO:0016419, OMIM 114480. Disease mechanism: loss of function.
Malignant tumor of breast. Also called: Malignant breast neoplasm; Cancer breast. Identifiers: MedGen C0006142, MONDO:0007254. Disease mechanism: loss of function.

Allele frequency attached by ClinVar (database versions not stated): gnomAD exomes below 0.00001.
gnomAD v4.1: 2 of 1,602,852 alleles (0.00012%); no homozygotes.

Submissions 1 to 7 of 21:

Women's Health and Genetics/Laboratory Corporation of America, LabCorp
Classification: Pathogenic for Hereditary breast ovarian cancer syndrome. Last evaluated: 2025-07-11. Review status: criteria provided, single submitter. Criteria: LabCorp Variant Classification Summary - May 2015. Collection method: clinical testing. Allele origin: germline.
Comment: Variant summary: BRCA2 c.7007G>C (p.Arg2336Pro) results in a non-conservative amino acid change in the encoded protein sequence. Algorithms developed to predict the effect of missense changes on protein structure and function are either unavailable or do not agree on the potential impact of this missense change. Several computational tools predict a significant impact on normal splicing: One predict the variant abolishes a 5' splicing donor site. Two predict the variant weakens a 5' donor site. At least one publication reports experimental evidence that this variant affects mRNA splicing (Houdayer, 2012). The variant allele was found at a frequency of 4e-06 in 247222 control chromosomes. c.7007G>C has been observed in multiple individuals affected with Hereditary Breast And Ovarian Cancer Syndrome (Serova-Sinilnikova 1997, Sagi 2010, Adams 2011, Laitman 2011, Laitman 2012, Pritzlaff 2017, Wang 2014). These data indicate that the variant is very likely to be associated with disease. The following publications have been ascertained in the context of this evaluation (PMID: 22505045, 9150172, 21465317, 20960228, 22399190, 25256924, 28008555, 21548014, 21063910). ClinVar contains an entry for this variant (Variation ID: 52241). Based on the evidence outlined above, the variant was classified as pathogenic.

German Consortium for Hereditary Breast and Ovarian Cancer, University Hospital Cologne
Classification: Likely pathogenic for Hereditary breast ovarian cancer syndrome. Last evaluated: 2025-07-09. Review status: criteria provided, single submitter. Criteria: ClinGen BRCA2 V1.1.0. Collection method: curation. Allele origin: germline.
Comment: This classification follows the ClinGen ENIGMA BRCA2 v1.1.0 classification scheme; We chose these criteria: PS3 (strong pathogenic): Reported by one calibrated study incorporating mRNA splicing effect to exhibit function similar to pathogenic control variants (PMID:33293522), PM2 (supporting pathogenic): not in gnomAD V3.1.2 non cancer and not in gnomAD V4.1.0 NFEs, PM3 (strong pathogenic): Myers (2011, PMID: 21548014): together with c.2899_2900del (p.Leu967Argfs*14); phase unknown --> 1 P Meng (2017, PMID: 28973083): together with c.4965C>G (p.Y1655*); comp. het. --> 2 P Scott (2022, PMID: 33461977): together with c.4965C>G (p.Y1655*); comp. het. --> 2 P

Labcorp Genetics (formerly Invitae), Labcorp
Classification: Pathogenic for Hereditary breast ovarian cancer syndrome. Last evaluated: 2025-04-03. Review status: criteria provided, single submitter. Criteria: Invitae Variant Classification Sherloc (09022015). Collection method: clinical testing. Allele origin: germline.
Comment: This sequence change replaces arginine, which is basic and polar, with proline, which is neutral and non-polar, at codon 2336 of the BRCA2 protein (p.Arg2336Pro). RNA analysis indicates that this missense change induces altered splicing and may result in an absent or altered protein product. This variant is present in population databases (rs28897743, gnomAD 0.0009%). This missense change has been observed in individual(s) with breast and/or ovarian cancer and Fanconi anemia (PMID: 9150172, 20960228, 21548014, 22399190). In at least one individual the data is consistent with being in trans (on the opposite chromosome) from a pathogenic variant. This variant is also known as 7235G>C. ClinVar contains an entry for this variant (Variation ID: 52241). An algorithm developed to predict the effect of missense changes on protein structure and function (PolyPhen-2) suggests that this variant is likely to be disruptive. Variants that disrupt the consensus splice site are a relatively common cause of aberrant splicing (PMID: 17576681, 9536098). Studies have shown that this missense change results in skipping of exons 12 and 13, and produces a non-functional protein and/or introduces a premature termination codon (PMID: 22505045). This variant disrupts the c.7007G nucleotide in the BRCA2 gene. Other variant(s) that disrupt this nucleotide have been determined to be pathogenic (PMID: 16792514, 20215541, 22505045). This suggests that this nucleotide is clinically significant, and that variants that disrupt this position are likely to be disease-causing. For these reasons, this variant has been classified as Pathogenic.

Color Diagnostics, LLC DBA Color Health
Classification: Pathogenic for Hereditary cancer-predisposing syndrome. Last evaluated: 2025-02-18. Review status: criteria provided, single submitter. Criteria: ACMG Guidelines, 2015. Collection method: clinical testing. Allele origin: germline.
Comment: This missense variant replaces arginine with proline at codon 2336 of the BRCA2 protein. This variant changes the conserved G at the last nucleotide of exon 13 of the BRCA2 gene and is predicted to disrupt RNA splicing. An RNA study has shown that this variant causes skipping of exons 12 and 13, creating a premature translation stop signal in the RNA transcript (PMID: 22505045). This aberrant transcript is expected to result in an absent or non-functional protein product. A functional study reported that this variant impacted BRCA2 function in the rescue of Brca2-deficient mouse ES cells and the lack of detectable protein expression (PMID: 33293522). This variant has been reported in individuals affected with breast and/or ovarian cancer (PMID: 9150172, 20960228, 21063910, 22399190, 28008555, 32438681). Multifactorial analyses have reported likelihood ratios (LRs) for pathogenicity reaching a combined LR of 2.627 based on personal and family history for three carriers (PMID: 31853058) and occurrence with a pathogenic co-variant and family history (PMID: 31131967). This variant has been identified in 1/247222 chromosomes in the general population by the Genome Aggregation Database (gnomAD). Loss of BRCA2 function is a known mechanism of disease. Based on the available evidence, this variant is classified as Pathogenic.

Quest Diagnostics Nichols Institute San Juan Capistrano
Classification: Pathogenic. Last evaluated: 2024-09-20. Review status: criteria provided, single submitter. Criteria: Quest Diagnostics criteria. Collection method: clinical testing. Allele origin: unknown.
Comment: The BRCA2 c.7007G>C (p.Arg2336Pro) variant has been reported in the published literature to cause skipping of exons 12 and 13 in the BRCA2 gene, resulting in a truncated protein (PMIDs: 9150172 (1997), 22505045 (2012)). This variant has been reported in multiple individuals and/or families affected with hereditary breast and/or ovarian cancer (PMIDs: 9150172 (1997), 20960228 (2011), 21063910 (2011), 22399190 (2012), 25256924 (2014), 28008555 (2017), 29560538 (2018), 31159747 (2019), 32438681 (2020)). It has also been reported in a compound heterozygous state with other pathogenic BRCA2 variants in individuals affected with Fanconi Amenia (PMIDs: 21548014 (2012), 28973083 (2017), 33461977 (2022)). The frequency of this variant in the general population, 0.000004 (1/247222 chromosomes (Genome Aggregation Database)), is uninformative in the assessment of its pathogenicity. Analysis of this variant using bioinformatics tools for the prediction of the effect of amino acid changes on protein structure and function yielded conflicting predictions that this variant is deleterious or benign. Based on the available information, this variant is classified as pathogenic.

Revvity Omics, Revvity
Classification: Pathogenic. Last evaluated: 2024-09-10. Review status: criteria provided, single submitter. Criteria: ACMG Guidelines, 2015. Collection method: clinical testing. Allele origin: germline.

CeGaT Center for Human Genetics Tuebingen
Classification: Pathogenic. Last evaluated: 2024-06-01. Review status: criteria provided, single submitter. Criteria: CeGaT Center For Human Genetics Tuebingen Variant Classification Criteria Version 2. Collection method: clinical testing. Allele origin: germline. Affected: yes. Observed: 2 variant alleles.
Comment: BRCA2: PM1, PM2, PM5, PS3:Moderate, PS4:Moderate

NM_000059.4(BRCA2):c.7007G>C (p.Arg2336Pro)

Gene: BRCA2 (BRCA2 DNA repair associated; plus strand). Cytogenetic location: 13q13.1.
Variant type: single nucleotide variant.
Coding change: c.7007G>C on transcript NM_000059.4 (MANE Select); coding-DNA position 7007, G replaced by C.
Protein change: p.Arg2336Pro; replaces arginine 2336 with proline.
Molecular consequence: missense variant.
Genome position (GRCh38, 1-based): chr13:32,346,896, G>C. VCF-style: chr13-32346896-G-C. GRCh37 (hg19) VCF-style: chr13-32921033-G-C.
Other names: 7235G>C; short protein forms R2336P.
Identifiers: ClinVar variation 52241 (VCV000052241.72), dbSNP rs28897743, ClinGen allele CA024716.
Genomic context (GRCh38, chr13:32,346,896, plus strand): 5'-AAGATCGAAGATTGTTTATGCATCATGTTTCTTTAGAGCCGATTACCTGTGTACCCTTTC[G>C]GTAAGACATGTTTAAATTTTTCTAAATTCTAATACAGTATGAGAAAAGTCTCGTTTTTAT-3'
Protein context (NP_000050.3, residues 2326-2346): SLEPITCVPF[Arg2336Pro]TTKERQEIQN